The following is an entry in ClinVar:

NM_006767.4(LZTR1):c.1168T>C (p.Phe390Leu)

Gene: LZTR1 (leucine zipper like post translational regulator 1; plus strand). Cytogenetic location: 22q11.21.
Variant type: single nucleotide variant.
Coding change: c.1168T>C on transcript NM_006767.4 (MANE Select); coding-DNA position 1168, T replaced by C.
Protein change: p.Phe390Leu; replaces phenylalanine 390 with leucine.
Molecular consequence: missense variant.
Genome position (GRCh38, 1-based): chr22:20,992,812, T>C. VCF-style: chr22-20992812-T-C. GRCh37 (hg19) VCF-style: chr22-21347101-T-C.
Other names: c.1168T>C (NM_006767.3); short protein forms F390L.
Identifiers: ClinVar variation 1037831 (VCV001037831.7), dbSNP rs1924653033, ClinGen allele CA410773673.

ClinVar aggregate classification (germline): Uncertain significance. Review status: criteria provided, multiple submitters, no conflicts (2 of 4 stars). 2 submissions from 2 submitters: Uncertain significance (2). Last evaluated 2024-09-30.

Conditions:
Cardiovascular phenotype. Identifiers: MedGen CN230736.
Hereditary cancer-predisposing syndrome. Also called: Neoplastic Syndromes, Hereditary; Hereditary Cancer Syndrome; Tumor predisposition; Hereditary neoplastic syndrome. Identifiers: Orphanet 140162, MedGen C0027672, MeSH D009386, MONDO:0015356.

Allele frequency attached by ClinVar (database versions not stated): TOPMed below 0.00001.

Submissions (2):

Ambry Genetics
Classification: Uncertain significance for Cardiovascular phenotype; Hereditary cancer-predisposing syndrome. Last evaluated: 2024-09-30. Review status: criteria provided, single submitter. Criteria: Ambry Variant Classification Scheme 2023. Collection method: clinical testing. Allele origin: germline.
Comment: The p.F390L variant (also known as c.1168T>C), located in coding exon 11 of the LZTR1 gene, results from a T to C substitution at nucleotide position 1168. The phenylalanine at codon 390 is replaced by leucine, an amino acid with highly similar properties. This amino acid position is conserved. In addition, the in silico prediction for this alteration is inconclusive. Based on the available evidence, the clinical significance of this variant remains unclear.

Labcorp Genetics (formerly Invitae), Labcorp
Classification: Uncertain significance. Last evaluated: 2021-09-08. Review status: criteria provided, single submitter. Criteria: Invitae Variant Classification Sherloc (09022015). Collection method: clinical testing. Allele origin: germline.
Comment: In summary, the available evidence is currently insufficient to determine the role of this variant in disease. Therefore, it has been classified as a Variant of Uncertain Significance. Algorithms developed to predict the effect of missense changes on protein structure and function are either unavailable or do not agree on the potential impact of this missense change (SIFT: "Deleterious"; PolyPhen-2: "Probably Damaging"; Align-GVGD: "Class C0"). This variant has not been reported in the literature in individuals affected with LZTR1-related conditions. This variant is not present in population databases (ExAC no frequency). This sequence change replaces phenylalanine with leucine at codon 390 of the LZTR1 protein (p.Phe390Leu). The phenylalanine residue is highly conserved and there is a small physicochemical difference between phenylalanine and leucine.